The following is an entry in ClinVar:

ClinVar aggregate classification (germline): Conflicting classifications of pathogenicity. Review status: criteria provided, conflicting classifications (1 of 4 stars). 2 submissions from 2 submitters: Uncertain significance (1); Likely benign (1). Last evaluated 2025-01-06.

Conditions:
Cardiovascular phenotype. Identifiers: MedGen CN230736.

Submissions (2):

Ambry Genetics
Classification: Likely benign for Cardiovascular phenotype. Last evaluated: 2025-01-06. Review status: criteria provided, single submitter. Criteria: Ambry Variant Classification Scheme 2023. Collection method: clinical testing. Allele origin: germline.

Labcorp Genetics (formerly Invitae), Labcorp
Classification: Uncertain significance. Last evaluated: 2022-04-10. Review status: criteria provided, single submitter. Criteria: Invitae Variant Classification Sherloc (09022015). Collection method: clinical testing. Allele origin: germline.
Comment: In summary, the available evidence is currently insufficient to determine the role of this variant in disease. Therefore, it has been classified as a Variant of Uncertain Significance. Algorithms developed to predict the effect of missense changes on protein structure and function output the following: SIFT: "Tolerated"; PolyPhen-2: "Benign"; Align-GVGD: "Class C0". The alanine amino acid residue is found in multiple mammalian species, which suggests that this missense change does not adversely affect protein function. This variant has not been reported in the literature in individuals affected with ZNF469-related conditions. This variant is not present in population databases (gnomAD no frequency). This sequence change replaces threonine, which is neutral and polar, with alanine, which is neutral and non-polar, at codon 3832 of the ZNF469 protein (p.Thr3832Ala).

NM_001367624.2(ZNF469):c.11578A>G (p.Thr3860Ala)

Gene: ZNF469 (zinc finger protein 469; plus strand). Cytogenetic location: 16q24.2.
Variant type: single nucleotide variant.
Coding change: c.11578A>G on transcript NM_001367624.2 (MANE Select); coding-DNA position 11578, A replaced by G.
Protein change: p.Thr3860Ala; replaces threonine 3860 with alanine.
Molecular consequence: missense variant.
Genome position (GRCh38, 1-based): chr16:88,439,048, A>G. VCF-style: chr16-88439048-A-G. GRCh37 (hg19) VCF-style: chr16-88505456-A-G.
Other names: NM_001127464.1:c.11494A>G; short protein forms T3860A.
Identifiers: ClinVar variation 2124456 (VCV002124456.5), dbSNP rs2507609479, ClinGen allele CA397130612.